The following is an entry in ClinVar:

ClinVar aggregate classification (germline): Uncertain significance. Review status: criteria provided, multiple submitters, no conflicts (2 of 4 stars). 2 submissions from 2 submitters: Uncertain significance (2). Last evaluated 2025-09-02.

Conditions:
Frontotemporal dementia and/or amyotrophic lateral sclerosis 6 (FTDALS6). Also called: VCP-Related Amyotrophic Lateral Sclerosis; VCP-Related Amyotrophic Lateral Sclerosis/Frontotemporal Dementia. Identifiers: Orphanet 275872, Orphanet 803, MedGen C5436279, MONDO:0013501, OMIM 613954.
Inclusion body myopathy with Paget disease of bone and frontotemporal dementia. Also called: Inclusion body myopathy with early-onset Paget disease and frontotemporal dementia. Identifiers: Orphanet 52430, MedGen C1833662, MONDO:0000507.
VCP-related disorder. Also called: VCP-related disorders; VCP-related condition.

Allele frequency attached by ClinVar (database versions not stated): gnomAD exomes below 0.00001 and 0.00001; gnomAD 0.00001 and 0.00002; ExAC 0.00002; TOPMed 0.00002.
gnomAD v4.1: 10 of 1,614,016 alleles (0.00062%); highest among the groups gnomAD compares: Admixed American, 0.005%; no homozygotes.

Submissions (2):

Labcorp Genetics (formerly Invitae), Labcorp
Classification: Uncertain significance for Inclusion body myopathy with Paget disease of bone and frontotemporal dementia; Frontotemporal dementia and/or amyotrophic lateral sclerosis 6. Last evaluated: 2025-09-02. Review status: criteria provided, single submitter. Criteria: Invitae Variant Classification Sherloc (09022015). Collection method: clinical testing. Allele origin: germline.
Comment: This sequence change replaces arginine with cysteine at codon 487 of the VCP protein (p.Arg487Cys). The arginine residue is highly conserved and there is a large physicochemical difference between arginine and cysteine. This variant is present in population databases (rs752765916, gnomAD 0.004%). This missense change has been observed in individual(s) with clinical features of VCP-related conditions (internal data). ClinVar contains an entry for this variant (Variation ID: 1360978). Invitae Evidence Modeling of protein sequence and biophysical properties (such as structural, functional, and spatial information, amino acid conservation, physicochemical variation, residue mobility, and thermodynamic stability) indicates that this missense variant is not expected to disrupt VCP protein function with a negative predictive value of 80%. This variant disrupts the p.Arg487 amino acid residue in VCP. Other variant(s) that disrupt this residue have been determined to be pathogenic (PMID: 25457024, 28738334, 33415820; internal data). This suggests that this residue is clinically significant, and that variants that disrupt this residue are likely to be disease-causing. In summary, the available evidence is currently insufficient to determine the role of this variant in disease. Therefore, it has been classified as a Variant of Uncertain Significance.

PreventionGenetics, part of Exact Sciences
Classification: Uncertain significance for VCP-related condition. Last evaluated: 2022-11-04. Review status: criteria provided, single submitter. Criteria: ACMG Guidelines, 2015. Collection method: clinical testing. Allele origin: germline.
Comment: The VCP c.1459C>T variant is predicted to result in the amino acid substitution p.Arg487Cys. To our knowledge, this variant has not been reported in the literature. This variant is reported in 0.0046% of alleles in individuals of European (Finnish) descent in gnomAD. At this time, the clinical significance of this variant is uncertain due to the absence of conclusive functional and genetic evidence.

Literature cited by the submitters: PubMed 25457024 (cited by Labcorp Genetics (formerly Invitae), Labcorp); PubMed 28738334 (cited by Labcorp Genetics (formerly Invitae), Labcorp); PubMed 33415820 (cited by Labcorp Genetics (formerly Invitae), Labcorp).

NM_007126.5(VCP):c.1459C>T (p.Arg487Cys)

Gene: VCP (valosin containing protein; minus strand). Cytogenetic location: 9p13.3.
Variant type: single nucleotide variant.
Coding change: c.1459C>T on transcript NM_007126.5 (MANE Select); coding-DNA position 1459, C replaced by T.
Protein change: p.Arg487Cys; replaces arginine 487 with cysteine.
Molecular consequence: missense variant.
Genome position (GRCh38, 1-based): chr9:35,060,824, G>A on the plus strand (C>T on the coding strand, the complement: VCP is on the minus strand). VCF-style: chr9-35060824-G-A. GRCh37 (hg19) VCF-style: chr9-35060821-G-A.
Other names: c.1459C>T (NM_007126.3); c.1324C>T, p.Arg442Cys (NM_001354927.2, NM_001354928.2); short protein forms R442C, R487C.
Identifiers: ClinVar variation 1360978 (VCV001360978.7), dbSNP rs752765916, ClinGen allele CA5039251.